The following is an entry in ClinVar:

NM_004260.4(RECQL4):c.92T>G (p.Val31Gly)

Genes: RECQL4 (RecQ like helicase 4; minus strand), LOC130001411 (ATAC-STARR-seq lymphoblastoid silent region 19699; plus strand). Cytogenetic location: 8q24.3.
Variant type: single nucleotide variant.
Coding change: c.92T>G on transcript NM_004260.4 (MANE Select); coding-DNA position 92, T replaced by G.
Protein change: p.Val31Gly; replaces valine 31 with glycine.
Molecular consequence: missense variant.
Genome position (GRCh38, 1-based): chr8:144,517,628, A>C on the plus strand (T>G on the coding strand, the complement: RECQL4 is on the minus strand). VCF-style: chr8-144517628-A-C. GRCh37 (hg19) VCF-style: chr8-145743012-A-C.
Other names: short protein forms V31G.
Identifiers: ClinVar variation 459531 (VCV000459531.8), dbSNP rs904809747, ClinGen allele CA187691145.

ClinVar aggregate classification (germline): Uncertain significance. Review status: criteria provided, multiple submitters, no conflicts (2 of 4 stars). 2 submissions from 2 submitters: Uncertain significance (2). Last evaluated 2022-11-01.

Conditions:
Baller-Gerold syndrome (BGS). Also called: CRANIOSYNOSTOSIS WITH RADIAL DEFECTS. Identifiers: Orphanet 1225, MedGen C0265308, MONDO:0009039, OMIM 218600.

Allele frequency attached by ClinVar (database versions not stated): gnomAD exomes 0.00013; gnomAD 0.00015 and 0.00016; TOPMed 0.00017.

Submissions (2):

Labcorp Genetics (formerly Invitae), Labcorp
Classification: Uncertain significance for Baller-Gerold syndrome. Last evaluated: 2022-11-01. Review status: criteria provided, single submitter. Criteria: Invitae Variant Classification Sherloc (09022015). Collection method: clinical testing. Allele origin: germline.
Comment: This sequence change replaces valine, which is neutral and non-polar, with glycine, which is neutral and non-polar, at codon 31 of the RECQL4 protein (p.Val31Gly). This variant is present in population databases (no rsID available, gnomAD 0.06%). This variant has not been reported in the literature in individuals affected with RECQL4-related conditions. ClinVar contains an entry for this variant (Variation ID: 459531). Experimental studies and prediction algorithms are not available or were not evaluated, and the functional significance of this variant is currently unknown. In summary, the available evidence is currently insufficient to determine the role of this variant in disease. Therefore, it has been classified as a Variant of Uncertain Significance.

Revvity Omics, Revvity
Classification: Uncertain significance. Last evaluated: 2019-10-03. Review status: criteria provided, single submitter. Criteria: ACMG Guidelines, 2015. Collection method: clinical testing. Allele origin: germline.